The following is an entry in ClinVar:

NM_015346.4(ZFYVE26):c.5241A>G (p.Gln1747=)

Gene: ZFYVE26 (zinc finger FYVE-type containing 26; minus strand). Cytogenetic location: 14q24.1.
Variant type: single nucleotide variant.
Coding change: c.5241A>G on transcript NM_015346.4 (MANE Select); coding-DNA position 5241, A replaced by G.
Protein change: p.Gln1747=; no amino-acid change (glutamine 1747 retained).
Molecular consequence: synonymous variant.
Genome position (GRCh38, 1-based): chr14:67,775,095, T>C on the plus strand (A>G on the coding strand, the complement: ZFYVE26 is on the minus strand). VCF-style: chr14-67775095-T-C. GRCh37 (hg19) VCF-style: chr14-68241812-T-C.
Identifiers: ClinVar variation 2148432 (VCV002148432.28), dbSNP rs199627150, ClinGen allele CA7239555.

ClinVar aggregate classification (germline): Likely benign. Review status: criteria provided, multiple submitters, no conflicts (2 of 4 stars). 2 submissions from 2 submitters: Likely benign (2). Last evaluated 2023-12-20.

Conditions:
Spastic paraplegia. Identifiers: MedGen C0037772, HP:0001258.

Allele frequency attached by ClinVar (database versions not stated): TOPMed 0.00001; gnomAD 0.00002; ExAC 0.00004; gnomAD exomes 0.00006; 1000 Genomes Project 30x 0.00016; 1000 Genomes Project 0.00020.
gnomAD v4.1: 93 of 1,611,094 alleles (0.0058%); highest among the groups gnomAD compares: South Asian, 0.0089%; 1 homozygote.

Submissions (2):

Labcorp Genetics (formerly Invitae), Labcorp
Classification: Likely benign for Spastic paraplegia. Last evaluated: 2023-12-20. Review status: criteria provided, single submitter. Criteria: Invitae Variant Classification Sherloc (09022015). Collection method: clinical testing. Allele origin: germline.

CeGaT Center for Human Genetics Tuebingen
Classification: Likely benign. Last evaluated: 2022-12-01. Review status: criteria provided, single submitter. Criteria: CeGaT Center For Human Genetics Tuebingen Variant Classification Criteria Version 2. Collection method: clinical testing. Allele origin: germline. Affected: yes. Observed: 1 variant allele.
Comment: ZFYVE26: BP4, BP7